The following is an entry in ClinVar:

NM_017802.4(DNAAF5):c.2452G>T (p.Gly818Trp)

Gene: DNAAF5 (dynein axonemal assembly factor 5; plus strand). Cytogenetic location: 7p22.3.
Variant type: single nucleotide variant.
Coding change: c.2452G>T on transcript NM_017802.4 (MANE Select); coding-DNA position 2452, G replaced by T.
Protein change: p.Gly818Trp; replaces glycine 818 with tryptophan.
Molecular consequence: missense variant. On other transcripts: non-coding transcript variant (1).
Genome position (GRCh38, 1-based): chr7:785,537, G>T. VCF-style: chr7-785537-G-T. GRCh37 (hg19) VCF-style: chr7-825174-G-T.
Other names: short protein forms G818W.
Identifiers: ClinVar variation 4745463 (VCV004745463.1).
Genomic context (GRCh38, chr7:785,537, plus strand): 5'-TTTGTTTCTGGCATGTTCAAGGTGTTTTTCTGTTTTACAGAGGTCCTCAAAGAGGGCAGC[G>T]GGCTGTTCCCAGATCTCCTGGTGAGGGAGACGGAGGCCGTCATCCACAAGCACCGCTCGG-3'
Protein context (NP_060272.3, residues 808-828): AILEVLKEGS[Gly818Trp]LFPDLLVRET

ClinVar aggregate classification (germline): Uncertain significance (1 of 4 stars; one submission).

Conditions:
Primary ciliary dyskinesia. Also called: Ciliary dyskinesia. Identifiers: Orphanet 244, MedGen C0008780, MONDO:0016575, HP:0012265.

gnomAD v4.1: 1 of 1,613,700 alleles (0.000062%); highest among the groups gnomAD compares: African/African-American, 0.0013%; no homozygotes.

Submission:

Labcorp Genetics (formerly Invitae), Labcorp
Classification: Uncertain significance for Primary ciliary dyskinesia. Last evaluated: 2025-08-25. Review status: criteria provided, single submitter. Criteria: Invitae Variant Classification Sherloc (09022015). Collection method: clinical testing. Allele origin: germline.
Comment: This sequence change replaces glycine, which is neutral and non-polar, with tryptophan, which is neutral and slightly polar, at codon 818 of the DNAAF5 protein (p.Gly818Trp). This variant is not present in population databases (gnomAD no frequency). This variant has not been reported in the literature in individuals affected with DNAAF5-related conditions. Invitae Evidence Modeling of protein sequence and biophysical properties (such as structural, functional, and spatial information, amino acid conservation, physicochemical variation, residue mobility, and thermodynamic stability) indicates that this missense variant is not expected to disrupt DNAAF5 protein function with a negative predictive value of 80%. In summary, the available evidence is currently insufficient to determine the role of this variant in disease. Therefore, it has been classified as a Variant of Uncertain Significance.